The following is an entry in ClinVar:

ClinVar aggregate classification (germline): Uncertain significance (1 of 4 stars; one submission).

Conditions:
Arrhythmogenic cardiomyopathy with wooly hair and keratoderma. Also called: PALMOPLANTAR KERATODERMA WITH LEFT VENTRICULAR CARDIOMYOPATHY AND WOOLLY HAIR; Carvajal syndrome; Dilated cardiomyopathy with woolly hair and keratoderma; Arrhythmogenic cardiomyopathy with woolly hair and keratoderma. Identifiers: Orphanet 65282, MedGen C1854063, MONDO:0011581, OMIM 605676.
Arrhythmogenic right ventricular dysplasia 8 (ARVD8). Also called: Arrhythmogenic Right Ventricular Dysplasia/Cardiomyopathy 8; ARRHYTHMOGENIC RIGHT VENTRICULAR DYSPLASIA, FAMILIAL, 8; ARRHYTHMOGENIC RIGHT VENTRICULAR CARDIOMYOPATHY 8. Identifiers: MedGen C1843896, MONDO:0011831, OMIM 607450.

gnomAD v4.1: 2 of 1,611,268 alleles (0.00012%); highest among the groups gnomAD compares: Middle Eastern, 0.017%; no homozygotes.

Submission:

Labcorp Genetics (formerly Invitae), Labcorp
Classification: Uncertain significance for Arrhythmogenic cardiomyopathy with wooly hair and keratoderma; Arrhythmogenic right ventricular dysplasia 8. Last evaluated: 2025-12-14. Review status: criteria provided, single submitter. Criteria: Invitae Variant Classification Sherloc (09022015). Collection method: clinical testing. Allele origin: germline.
Comment: This sequence change replaces phenylalanine, which is neutral and non-polar, with leucine, which is neutral and non-polar, at codon 2850 of the DSP protein (p.Phe2850Leu). This variant is not present in population databases (gnomAD no frequency). This variant has not been reported in the literature in individuals affected with DSP-related conditions. An algorithm developed to predict the effect of missense changes on protein structure and function (PolyPhen-2) suggests that this variant is likely to be disruptive. In summary, the available evidence is currently insufficient to determine the role of this variant in disease. Therefore, it has been classified as a Variant of Uncertain Significance.

NM_004415.4(DSP):c.8548T>C (p.Phe2850Leu)

Gene: DSP (desmoplakin; plus strand). Cytogenetic location: 6p24.3.
Variant type: single nucleotide variant.
Coding change: c.8548T>C on transcript NM_004415.4 (MANE Select); coding-DNA position 8548, T replaced by C.
Protein change: p.Phe2850Leu; replaces phenylalanine 2850 with leucine.
Molecular consequence: missense variant.
Genome position (GRCh38, 1-based): chr6:7,585,810, T>C. VCF-style: chr6-7585810-T-C. GRCh37 (hg19) VCF-style: chr6-7586043-T-C.
Other names: c.6751T>C, p.Phe2251Leu (NM_001008844.3); c.7219T>C, p.Phe2407Leu (NM_001319034.2); short protein forms F2850L, F2407L, F2251L.
Identifiers: ClinVar variation 4791018 (VCV004791018.1).